The following is an entry in ClinVar:

NM_177400.3(NKX6-2):c.608G>A (p.Trp203Ter)

Gene: NKX6-2 (NK6 homeobox 2; minus strand). Cytogenetic location: 10q26.3.
Variant type: single nucleotide variant.
Coding change: c.608G>A on transcript NM_177400.3 (MANE Select); coding-DNA position 608, G replaced by A.
Protein change: p.Trp203Ter; replaces tryptophan 203 with a stop codon.
Molecular consequence: nonsense.
Genome position (GRCh38, 1-based): chr10:132,785,142, C>T on the plus strand (G>A on the coding strand, the complement: NKX6-2 is on the minus strand). VCF-style: chr10-132785142-C-T. GRCh37 (hg19) VCF-style: chr10-134598646-C-T.
Other names: short protein forms W203*.
Identifiers: ClinVar variation 627619 (VCV000627619.6), dbSNP rs1565019928, ClinGen allele CA378769253.

ClinVar aggregate classification (germline): Pathogenic/Likely pathogenic. Review status: criteria provided, multiple submitters, no conflicts (2 of 4 stars). 4 submissions from 4 submitters: Pathogenic (1); Likely pathogenic (1). 2 of the submissions do not count toward it. Last evaluated 2024-10-04.

Conditions:
Spastic ataxia 8, autosomal recessive, with hypomyelinating leukodystrophy (SPAX8). Identifiers: Orphanet 527497, MedGen C4479653, MONDO:0033043, OMIM 617560.

Submissions (4):

Dubai Health Genomic Medicine Center, Dubai Health
Classification: Pathogenic for Spastic ataxia 8, autosomal recessive, with hypomyelinating leukodystrophy. Last evaluated: 2024-10-04. Review status: criteria provided, single submitter. Criteria: ACMG Guidelines, 2015. Collection method: research. Allele origin: germline. Affected: yes.
Comment: PVS1,PM2,PP1

CENTOGENE GmbH and LLC - Guiding Precision Medicine
Classification: Likely pathogenic for Spastic ataxia 8, autosomal recessive, with hypomyelinating leukodystrophy. Review status: criteria provided, single submitter. Criteria: ACMG Guidelines, 2015. Collection method: clinical testing. Allele origin: germline. Affected: yes.

Yale Center for Mendelian Genomics, Yale University
Classification: Pathogenic for Spastic ataxia 8, autosomal recessive, with hypomyelinating leukodystrophy. Last evaluated: 2020-02-27. Review status: no assertion criteria provided. Collection method: literature only. Allele origin: germline. Affected: yes. Observed: 1 homozygote. Study: Yale Center for Mendelian Genomics. Not counted in ClinVar's aggregate classification.

GeneReviews
No classification provided. Condition: Spastic ataxia 8, autosomal recessive, with hypomyelinating leukodystrophy. Review status: no classification provided. Collection method: literature only. Allele origin: germline. Not counted in ClinVar's aggregate classification.

Literature cited by the submitters: PubMed 32860008 (cited by CENTOGENE GmbH and LLC - Guiding Precision Medicine); PubMed 31509304 (cited by Yale Center for Mendelian Genomics, Yale University); NCBI Bookshelf NBK531509 (cited by GeneReviews); PubMed 30285346 (cited by GeneReviews).